The following is an entry in ClinVar:

NM_000264.5(PTCH1):c.2087C>T (p.Thr696Ile)

Genes: PTCH1 (patched 1; minus strand), LOC100507346 (uncharacterized LOC100507346; plus strand). Cytogenetic location: 9q22.32.
Variant type: single nucleotide variant.
Coding change: c.2087C>T on transcript NM_000264.5 (MANE Select); coding-DNA position 2087, C replaced by T.
Protein change: p.Thr696Ile; replaces threonine 696 with isoleucine.
Molecular consequence: missense variant. On other transcripts: non-coding transcript variant (2).
Genome position (GRCh38, 1-based): chr9:95,468,914, G>A on the plus strand (C>T on the coding strand, the complement: PTCH1 is on the minus strand). VCF-style: chr9-95468914-G-A. GRCh37 (hg19) VCF-style: chr9-98231196-G-A.
Other names: c.1889C>T, p.Thr630Ile (NM_001083602.3); c.2084C>T, p.Thr695Ile (NM_001083603.3); c.1634C>T, p.Thr545Ile (NM_001083604.3, NM_001083605.3, NM_001083606.3 and 1 more transcripts); c.1931C>T, p.Thr644Ile (NM_001354918.2); short protein forms T644I, T695I, T696I, T545I, T630I.
Identifiers: ClinVar variation 3939916 (VCV003939916.1).

ClinVar aggregate classification (germline): Uncertain significance (1 of 4 stars; one submission).

Conditions:
Hereditary cancer-predisposing syndrome. Also called: Tumor predisposition; Hereditary neoplastic syndrome; Hereditary Cancer Syndrome; Neoplastic Syndromes, Hereditary. Identifiers: Orphanet 140162, MedGen C0027672, MeSH D009386, MONDO:0015356.

Submission:

Ambry Genetics
Classification: Uncertain significance for Hereditary cancer-predisposing syndrome. Last evaluated: 2025-04-06. Review status: criteria provided, single submitter. Criteria: Ambry Variant Classification Scheme 2023. Collection method: clinical testing. Allele origin: germline.
Comment: The p.T696I variant (also known as c.2087C>T), located in coding exon 14 of the PTCH1 gene, results from a C to T substitution at nucleotide position 2087. The threonine at codon 696 is replaced by isoleucine, an amino acid with similar properties. This amino acid position is conserved. In addition, this alteration is predicted to be tolerated by in silico analysis. Based on the available evidence, the clinical significance of this variant remains unclear.